The following is an entry in ClinVar:

NM_000244.4(MEN1):c.-35A>C

Gene: MEN1 (menin 1; minus strand). Cytogenetic location: 11q13.1.
Variant type: single nucleotide variant.
Coding change: c.-35A>C on transcript NM_000244.4; 35 bases upstream of the start codon, A replaced by C.
Molecular consequence: 5 prime UTR variant. On other transcripts: intron variant (2).
Genome position (GRCh38, 1-based): chr11:64,810,641, T>G on the plus strand (A>C on the coding strand, the complement: MEN1 is on the minus strand). VCF-style: chr11-64810641-T-G. GRCh37 (hg19) VCF-style: chr11-64578113-T-G.
Other names: c.-35A>C (NM_001407144.1, NM_001407148.1, NM_130799.3); c.-24+173A>C (NM_130804.3, NM_130803.3).
Identifiers: ClinVar variation 305318 (VCV000305318.8), dbSNP rs679946, ClinGen allele CA10639645.

ClinVar aggregate classification (germline): Benign. Review status: criteria provided, multiple submitters, no conflicts (2 of 4 stars). 4 submissions from 3 submitters: Benign (4). Last evaluated 2018-01-13.

Conditions:
Hyperparathyroidism. Identifiers: MedGen C0020502, MONDO:0001741, HP:0000843.
Multiple endocrine neoplasia, type 1 (MEN1). Also called: MEA I; MEN I; WERMER SYNDROME; Endocrine adenomatosis multiple; MEN 1. Identifiers: Orphanet 652, MedGen C0025267, MeSH D018761, MONDO:0007540, OMIM 131100.

Allele frequency attached by ClinVar (database versions not stated): 1000 Genomes Project 0.06989; 1000 Genomes Project 30x 0.07480.
gnomAD v4.1: 9,400 of 153,742 alleles (6.1%); highest among the groups gnomAD compares: African/African-American, 17%; 647 homozygotes.

Submissions (4):

Illumina Laboratory Services, Illumina
Classification: Benign for Hyperparathyroidism. Last evaluated: 2018-01-13. Review status: criteria provided, single submitter. Criteria: ICSL Variant Classification Criteria 13 December 2019. Collection method: clinical testing. Allele origin: germline.
Comment: This variant was observed in the ICSL laboratory as part of a predisposition screen in an ostensibly healthy population. It had not been previously curated by ICSL or reported in the Human Gene Mutation Database (HGMD: prior to June 1st, 2018), and was therefore a candidate for classification through an automated scoring system. Utilizing variant allele frequency, disease prevalence and penetrance estimates, and inheritance mode, an automated score was calculated to assess if this variant is too frequent to cause the disease. Based on the score and internal cut-off values, a variant classified as benign is not then subjected to further curation. The score for this variant resulted in a classification of benign for this disease.

Illumina Laboratory Services, Illumina
Classification: Benign for Multiple endocrine neoplasia, type 1. Last evaluated: 2018-01-13. Review status: criteria provided, single submitter. Criteria: ICSL Variant Classification Criteria 13 December 2019. Collection method: clinical testing. Allele origin: germline.
Comment: the same text as in the submission from Illumina Laboratory Services, Illumina above.

GeneDx
Classification: Benign. Last evaluated: 2016-02-10. Review status: criteria provided, single submitter. Criteria: GeneDx Variant Classification (06012015). Collection method: clinical testing. Allele origin: germline. Affected: yes.
Comment: This variant is considered likely benign or benign based on one or more of the following criteria: it is a conservative change, it occurs at a poorly conserved position in the protein, it is predicted to be benign by multiple in silico algorithms, and/or has population frequency not consistent with disease.

Breakthrough Genomics
Classification: Benign. Review status: criteria provided, single submitter. Criteria: ACMG Guidelines, 2015. Collection method: not provided. Allele origin: germline. Inheritance: Autosomal dominant inheritance. Affected: yes.